The following is an entry in ClinVar:

NM_014704.4(CEP104):c.2656C>T (p.Gln886Ter)

Gene: CEP104 (centrosomal protein 104; minus strand). Cytogenetic location: 1p36.32.
Variant type: single nucleotide variant.
Coding change: c.2656C>T on transcript NM_014704.4 (MANE Select); coding-DNA position 2656, C replaced by T.
Protein change: p.Gln886Ter; replaces glutamine 886 with a stop codon.
Molecular consequence: nonsense.
Genome position (GRCh38, 1-based): chr1:3,816,286, G>A on the plus strand (C>T on the coding strand, the complement: CEP104 is on the minus strand). VCF-style: chr1-3816286-G-A. GRCh37 (hg19) VCF-style: chr1-3732850-G-A.
Other names: short protein forms Q886*.
Identifiers: ClinVar variation 3356604 (VCV003356604.1).

ClinVar aggregate classification (germline): Likely pathogenic (0 of 4 stars; one submission).

Conditions:
CEP104-related disorder. Also called: CEP104-related condition.

gnomAD v4.1: 3 of 1,551,740 alleles (0.00019%); highest among the groups gnomAD compares: Admixed American, 0.0039%; no homozygotes.

Submission:

PreventionGenetics, part of Exact Sciences
Classification: Likely pathogenic for CEP104-related condition. Last evaluated: 2024-09-20. Review status: no assertion criteria provided. Collection method: clinical testing. Allele origin: germline.
Comment: The CEP104 c.2656C>T variant is predicted to result in premature protein termination (p.Gln886*). To our knowledge, this variant has not been reported in the literature. This variant is reported in 0.0040% of alleles in individuals of Latino descent in gnomAD. Nonsense variants in CEP104 are expected to be pathogenic. This variant is interpreted as likely pathogenic.